The following is an entry in ClinVar:

NM_001042492.3(NF1):c.62T>G (p.Leu21Arg)

Gene: NF1 (neurofibromin 1; plus strand). Cytogenetic location: 17q11.2.
Variant type: single nucleotide variant.
Coding change: c.62T>G on transcript NM_001042492.3 (MANE Select); coding-DNA position 62, T replaced by G.
Protein change: p.Leu21Arg; replaces leucine 21 with arginine.
Molecular consequence: missense variant.
Genome position (GRCh38, 1-based): chr17:31,155,984, T>G. VCF-style: chr17-31155984-T-G. GRCh37 (hg19) VCF-style: chr17-29483002-T-G.
Other names: c.62T>G, p.Leu21Arg (NM_000267.4, NM_001128147.3); short protein forms L21R.
Identifiers: ClinVar variation 4710331 (VCV004710331.1).
Genomic context (GRCh38, chr17:31,155,984, plus strand): 5'-ATTTATGGTCGTTTTTAAGGATAAGCTGTTAACGTGTTTTTTTTTTCTTTTTTTTTCAGC[T>G]TCCAATAAAAACAGGACAGCAGAACACACATACCAAAGTCAGTACTGAGCACAACAAGGA-3'
Protein context (NP_001035957.1, residues 11-31): QAVVSRFDEQ[Leu21Arg]PIKTGQQNTH

ClinVar aggregate classification (germline): Uncertain significance (1 of 4 stars; one submission).

Conditions:
Neurofibromatosis, type 1 (NF1). Also called: VON RECKLINGHAUSEN DISEASE; Peripheral type neurofibromatosis; NEUROFIBROMATOSIS, TYPE I, SOMATIC; Neurofibromatosis, type I. Identifiers: Orphanet 636, MedGen C0027831, MONDO:0018975, OMIM 162200. Disease mechanism: loss of function.

Submission:

Labcorp Genetics (formerly Invitae), Labcorp
Classification: Uncertain significance for Neurofibromatosis, type 1. Last evaluated: 2025-07-18. Review status: criteria provided, single submitter. Criteria: Invitae Variant Classification Sherloc (09022015). Collection method: clinical testing. Allele origin: germline.
Comment: This sequence change replaces leucine, which is neutral and non-polar, with arginine, which is basic and polar, at codon 21 of the NF1 protein (p.Leu21Arg). This variant is not present in population databases (gnomAD no frequency). This missense change has been observed in individual(s) with neurofibromatosis type I (internal data). An algorithm developed to predict the effect of missense changes on protein structure and function (PolyPhen-2) suggests that this variant is likely to be tolerated. This variant disrupts the p.Leu21 amino acid residue in NF1. Other variant(s) that disrupt this residue have been observed in individuals with NF1-related conditions (PMID: 31776437, 36612057), which suggests that this may be a clinically significant amino acid residue. In summary, the available evidence is currently insufficient to determine the role of this variant in disease. Therefore, it has been classified as a Variant of Uncertain Significance.

Literature cited by the submitters: PubMed 31776437; PubMed 36612057.